The following is an entry in ClinVar:

ClinVar aggregate classification (germline): Uncertain significance (1 of 4 stars; one submission).

Allele frequency attached by ClinVar (database versions not stated): TOPMed below 0.00001.

Submission:

Laboratorio de Genetica e Diagnostico Molecular, Hospital Israelita Albert Einstein
Classification: Uncertain significance. Last evaluated: 2020-08-25. Review status: criteria provided, single submitter. Criteria: ACMG Guidelines, 2015. Collection method: clinical testing. Allele origin: germline. Affected: yes.
Comment: ACMG classification criteria: PM1, PM2, PP3

NM_002496.4(NDUFS8):c.454T>C (p.Tyr152His)

Gene: NDUFS8 (NADH:ubiquinone oxidoreductase core subunit S8; plus strand). Cytogenetic location: 11q13.2.
Variant type: single nucleotide variant.
Coding change: c.454T>C on transcript NM_002496.4 (MANE Select); coding-DNA position 454, T replaced by C.
Protein change: p.Tyr152His; replaces tyrosine 152 with histidine.
Molecular consequence: missense variant.
Genome position (GRCh38, 1-based): chr11:68,036,334, T>C. VCF-style: chr11-68036334-T-C. GRCh37 (hg19) VCF-style: chr11-67803801-T-C.
Other names: short protein forms Y152H.
Identifiers: ClinVar variation 1690928 (VCV001690928.2), dbSNP rs1854890805, ClinGen allele CA381569254.